The following is an entry in ClinVar:

ClinVar aggregate classification (germline): Conflicting classifications of pathogenicity. Review status: criteria provided, conflicting classifications (1 of 4 stars). 2 submissions from 2 submitters: Uncertain significance (1); Likely benign (1). Last evaluated 2025-12-05.

Conditions:
Gastrointestinal stromal tumor. Also called: Gastrointestinal stromal tumor, somatic; Gastrointestinal stroma tumor. Identifiers: Orphanet 44890, MedGen C0238198, MeSH D046152, MONDO:0011719, OMIM 606764, HP:0100723.
Hereditary cancer-predisposing syndrome. Also called: Neoplastic Syndromes, Hereditary; Tumor predisposition; Hereditary Cancer Syndrome; Hereditary neoplastic syndrome. Identifiers: Orphanet 140162, MedGen C0027672, MeSH D009386, MONDO:0015356.

Submissions (2):

Ambry Genetics
Classification: Likely benign for Hereditary cancer-predisposing syndrome. Last evaluated: 2025-12-05. Review status: criteria provided, single submitter. Criteria: Ambry Variant Classification Scheme 2023. Collection method: clinical testing. Allele origin: germline.

Labcorp Genetics (formerly Invitae), Labcorp
Classification: Uncertain significance for Gastrointestinal stromal tumor. Last evaluated: 2024-05-02. Review status: criteria provided, single submitter. Criteria: Invitae Variant Classification Sherloc (09022015). Collection method: clinical testing. Allele origin: germline.
Comment: This sequence change replaces tyrosine, which is neutral and polar, with phenylalanine, which is neutral and non-polar, at codon 187 of the PDGFRA protein (p.Tyr187Phe). This variant is not present in population databases (gnomAD no frequency). This variant has not been reported in the literature in individuals affected with PDGFRA-related conditions. ClinVar contains an entry for this variant (Variation ID: 663985). Advanced modeling of protein sequence and biophysical properties (such as structural, functional, and spatial information, amino acid conservation, physicochemical variation, residue mobility, and thermodynamic stability) performed at Invitae indicates that this missense variant is not expected to disrupt PDGFRA protein function with a negative predictive value of 80%. In summary, the available evidence is currently insufficient to determine the role of this variant in disease. Therefore, it has been classified as a Variant of Uncertain Significance.

NM_006206.6(PDGFRA):c.560A>T (p.Tyr187Phe)

Gene: PDGFRA (platelet derived growth factor receptor alpha; plus strand). Cytogenetic location: 4q12.
Variant type: single nucleotide variant.
Coding change: c.560A>T on transcript NM_006206.6 (MANE Select); coding-DNA position 560, A replaced by T.
Protein change: p.Tyr187Phe; replaces tyrosine 187 with phenylalanine.
Molecular consequence: missense variant.
Genome position (GRCh38, 1-based): chr4:54,263,859, A>T. VCF-style: chr4-54263859-A-T. GRCh37 (hg19) VCF-style: chr4-55130026-A-T.
Other names: c.560A>T, p.Tyr187Phe (NM_001347827.2, NM_001347829.2); c.635A>T, p.Tyr212Phe (NM_001347828.2); c.599A>T, p.Tyr200Phe (NM_001347830.2); short protein forms Y200F, Y212F, Y187F.
Identifiers: ClinVar variation 663985 (VCV000663985.11), dbSNP rs1577709665, ClinGen allele CA356890086.
Genomic context (GRCh38, chr4:54,263,859, plus strand): 5'-TGGTACCTGCCTCCTACGACAGCAGACAGGGCTTTAATGGGACCTTCACTGTAGGGCCCT[A>T]TATCTGTGAGGCCACCGTCAAAGGAAAGAAGTTCCAGACCATCCCATTTAATGTTTATGC-3'
Protein context (NP_006197.1, residues 177-197): GFNGTFTVGP[Tyr187Phe]ICEATVKGKK